The following is an entry in ClinVar:

ClinVar aggregate classification (germline): Uncertain significance (1 of 4 stars; one submission).

Allele frequency attached by ClinVar (database versions not stated): TOPMed 0.00001.

Submission:

Labcorp Genetics (formerly Invitae), Labcorp
Classification: Uncertain significance. Last evaluated: 2021-09-09. Review status: criteria provided, single submitter. Criteria: Invitae Variant Classification Sherloc (09022015). Collection method: clinical testing. Allele origin: germline.
Comment: In summary, the available evidence is currently insufficient to determine the role of this variant in disease. Therefore, it has been classified as a Variant of Uncertain Significance. Advanced modeling of protein sequence and biophysical properties (such as structural, functional, and spatial information, amino acid conservation, physicochemical variation, residue mobility, and thermodynamic stability) performed at Invitae indicates that this missense variant is expected to disrupt CNGA3 protein function. This variant has not been reported in the literature in individuals affected with CNGA3-related conditions. This variant is not present in population databases (ExAC no frequency). This sequence change replaces serine with threonine at codon 558 of the CNGA3 protein (p.Ser558Thr). The serine residue is highly conserved and there is a small physicochemical difference between serine and threonine.

NM_001298.3(CNGA3):c.1673G>C (p.Ser558Thr)

Gene: CNGA3 (cyclic nucleotide gated channel subunit alpha 3; plus strand). Cytogenetic location: 2q11.2.
Variant type: single nucleotide variant.
Coding change: c.1673G>C on transcript NM_001298.3 (MANE Select); coding-DNA position 1673, G replaced by C.
Protein change: p.Ser558Thr; replaces serine 558 with threonine.
Molecular consequence: missense variant.
Genome position (GRCh38, 1-based): chr2:98,396,843, G>C. VCF-style: chr2-98396843-G-C. GRCh37 (hg19) VCF-style: chr2-99013306-G-C.
Other names: c.1619G>C, p.Ser540Thr (NM_001079878.2); short protein forms S558T, S540T.
Identifiers: ClinVar variation 1493328 (VCV001493328.6), dbSNP rs1309482690, ClinGen allele CA347834048.
Genomic context (GRCh38, chr2:98,396,843, plus strand): 5'-TCGTGGTCCTCAGCGATGGCAGCTACTTCGGGGAGATCAGCATTCTGAACATCAAGGGGA[G>C]CAAGTCGGGGAACCGCAGGACGGCCAACATCCGCAGCATTGGCTACTCAGACCTGTTCTG-3'
Protein context (NP_001289.1, residues 548-568): GEISILNIKG[Ser558Thr]KSGNRRTANI